The following is an entry in ClinVar:

ClinVar aggregate classification (germline): Uncertain significance (1 of 4 stars; one submission).

Submission:

Labcorp Genetics (formerly Invitae), Labcorp
Classification: Uncertain significance. Last evaluated: 2023-03-27. Review status: criteria provided, single submitter. Criteria: Invitae Variant Classification Sherloc (09022015). Collection method: clinical testing. Allele origin: germline.
Comment: This sequence change replaces methionine, which is neutral and non-polar, with leucine, which is neutral and non-polar, at codon 107 of the ACO2 protein (p.Met107Leu). This variant is not present in population databases (gnomAD no frequency). This variant has not been reported in the literature in individuals affected with ACO2-related conditions. Advanced modeling of protein sequence and biophysical properties (such as structural, functional, and spatial information, amino acid conservation, physicochemical variation, residue mobility, and thermodynamic stability) performed at Invitae indicates that this missense variant is not expected to disrupt ACO2 protein function. In summary, the available evidence is currently insufficient to determine the role of this variant in disease. Therefore, it has been classified as a Variant of Uncertain Significance.

NM_001098.3(ACO2):c.319A>C (p.Met107Leu)

Gene: ACO2 (aconitase 2; plus strand). Cytogenetic location: 22q13.2.
Variant type: single nucleotide variant.
Coding change: c.319A>C on transcript NM_001098.3 (MANE Select); coding-DNA position 319, A replaced by C.
Protein change: p.Met107Leu; replaces methionine 107 with leucine.
Molecular consequence: missense variant.
Genome position (GRCh38, 1-based): chr22:41,507,936, A>C. VCF-style: chr22-41507936-A-C. GRCh37 (hg19) VCF-style: chr22-41903940-A-C.
Other names: short protein forms M107L.
Identifiers: ClinVar variation 2850327 (VCV002850327.3), dbSNP rs2518216838, ClinGen allele CA411713584.